The following is an entry in ClinVar:

NM_000138.5(FBN1):c.4581_4582del (p.Asp1528fs)

Gene: FBN1 (fibrillin 1; minus strand). Cytogenetic location: 15q21.1.
Variant type: Deletion.
Coding change: c.4581_4582del on transcript NM_000138.5 (MANE Select); coding-DNA positions 4581 to 4582, 2 bases deleted (TG; older notation c.4581_4582delTG).
Protein change: p.Asp1528fs; shifts the reading frame from aspartic acid 1528.
Molecular consequence: frameshift variant.
Genome position (GRCh38, 1-based): chr15:48,468,412-48,468,413, CA deleted on the plus strand (TG on the coding strand, the reverse complement: FBN1 is on the minus strand). VCF-style (leftmost placement, unchanged base first): chr15-48468411-CCA-C. GRCh37 (hg19) VCF-style: chr15-48760608-CCA-C.
Other names: short protein forms D1528fs.
Identifiers: ClinVar variation 1072761 (VCV001072761.7), dbSNP rs2141272855, ClinGen allele CA2499222989.

ClinVar aggregate classification (germline): Pathogenic (1 of 4 stars; one submission).

Conditions:
Familial thoracic aortic aneurysm and aortic dissection (TAAD). Also called: Thoracic aortic aneurysms and dissections. Identifiers: Orphanet 91387, MedGen C4707243, MONDO:0019625.
Marfan syndrome (MFS). Also called: Marfan syndrome type 1; Marfan's syndrome; Marfan syndrome, classic; MARFAN SYNDROME, TYPE I; FBN1-Related Marfan Syndrome. Identifiers: Orphanet 284963, Orphanet 558, MedGen C0024796, MONDO:0007947, OMIM 154700.

Submission:

Labcorp Genetics (formerly Invitae), Labcorp
Classification: Pathogenic for Marfan syndrome; Familial thoracic aortic aneurysm and aortic dissection. Last evaluated: 2020-03-18. Review status: criteria provided, single submitter. Criteria: Invitae Variant Classification Sherloc (09022015). Collection method: clinical testing. Allele origin: germline.
Comment: This variant is not present in population databases (ExAC no frequency). This variant has not been reported in the literature in individuals with FBN1-related conditions. Algorithms developed to predict the effect of sequence changes on RNA splicing suggest that this variant may disrupt the consensus splice site, but this prediction has not been confirmed by published transcriptional studies. Loss-of-function variants in FBN1 are known to be pathogenic (PMID: 17657824, 19293843). For these reasons, this variant has been classified as Pathogenic. This sequence change creates a premature translational stop signal (p.Asp1528Tyrfs*24) in the FBN1 gene. It is expected to result in an absent or disrupted protein product.

Literature cited by the submitters: PubMed 17657824; PubMed 19293843.